The following is an entry in ClinVar:

ClinVar aggregate classification (germline): Pathogenic (1 of 4 stars; one submission).

Conditions:
Mucopolysaccharidosis, MPS-IV-B (MPS4B). Also called: MORQUIO SYNDROME B; Mucopolysaccharidosis type IV B; Mucopolysaccharidosis Type IVB; Mucopolysaccharidosis type 4B; Mucopolysaccharidosis Type IVB (Morquio B Disease); Mucopolysaccharidosis type IVB (Morquio). Identifiers: Orphanet 309310, Orphanet 582, MedGen C0086652, MONDO:0009660, OMIM 253010.
GM1 gangliosidosis. Identifiers: Orphanet 354, MedGen C0085131, MONDO:0018149.

Submission:

Labcorp Genetics (formerly Invitae), Labcorp
Classification: Pathogenic for Mucopolysaccharidosis, MPS-IV-B; GM1 gangliosidosis. Last evaluated: 2024-12-27. Review status: criteria provided, single submitter. Criteria: Invitae Variant Classification Sherloc (09022015). Collection method: clinical testing. Allele origin: germline.
Comment: This sequence change creates a premature translational stop signal (p.Gln279*) in the GLB1 gene. It is expected to result in an absent or disrupted protein product. Loss-of-function variants in GLB1 are known to be pathogenic (PMID: 18524657). This variant is not present in population databases (gnomAD no frequency). This variant has not been reported in the literature in individuals affected with GLB1-related conditions. For these reasons, this variant has been classified as Pathogenic.

Literature cited by the submitters: PubMed 18524657.

NM_000404.4(GLB1):c.835C>T (p.Gln279Ter)

Gene: GLB1 (galactosidase beta 1; minus strand). Cytogenetic location: 3p22.3.
Variant type: single nucleotide variant.
Coding change: c.835C>T on transcript NM_000404.4 (MANE Select); coding-DNA position 835, C replaced by T.
Protein change: p.Gln279Ter; replaces glutamine 279 with a stop codon.
Molecular consequence: nonsense.
Genome position (GRCh38, 1-based): chr3:33,051,962, G>A on the plus strand (C>T on the coding strand, the complement: GLB1 is on the minus strand). VCF-style: chr3-33051962-G-A. GRCh37 (hg19) VCF-style: chr3-33093454-G-A.
Other names: c.745C>T, p.Gln249Ter (NM_001079811.3); c.442C>T, p.Gln148Ter (NM_001135602.3); c.979C>T, p.Gln327Ter (NM_001317040.2); c.835C>T, p.Gln279Ter (NM_001393580.1); short protein forms Q148*, Q249*, Q279*, Q327*.
Identifiers: ClinVar variation 3760049 (VCV003760049.2).